The following is an entry in ClinVar:

ClinVar aggregate classification (germline): Uncertain significance. Review status: criteria provided, multiple submitters, no conflicts (2 of 4 stars). 2 submissions from 2 submitters: Uncertain significance (2). Last evaluated 2025-10-21.

Allele frequency attached by ClinVar (database versions not stated): gnomAD exomes below 0.00001; ExAC 0.00001.
gnomAD v4.1: 1 of 1,614,182 alleles (0.000062%); highest among the groups gnomAD compares: Admixed American, 0.0017%; no homozygotes.

Submissions (2):

Labcorp Genetics (formerly Invitae), Labcorp
Classification: Uncertain significance. Last evaluated: 2025-10-21. Review status: criteria provided, single submitter. Criteria: Invitae Variant Classification Sherloc (09022015). Collection method: clinical testing. Allele origin: germline.
Comment: This sequence change replaces methionine, which is neutral and non-polar, with isoleucine, which is neutral and non-polar, at codon 708 of the ABCA4 protein (p.Met708Ile). This variant is present in population databases (rs753711353, gnomAD 0.003%). This variant has not been reported in the literature in individuals affected with ABCA4-related conditions. ClinVar contains an entry for this variant (Variation ID: 859100). Invitae Evidence Modeling of protein sequence and biophysical properties (such as structural, functional, and spatial information, amino acid conservation, physicochemical variation, residue mobility, and thermodynamic stability) indicates that this missense variant is expected to disrupt ABCA4 protein function with a positive predictive value of 80%. In summary, the available evidence is currently insufficient to determine the role of this variant in disease. Therefore, it has been classified as a Variant of Uncertain Significance.

Blueprint Genetics
Classification: Uncertain significance. Last evaluated: 2019-08-05. Review status: criteria provided, single submitter. Criteria: ACMG Guidelines, 2015. Collection method: clinical testing. Allele origin: germline.

NM_000350.3(ABCA4):c.2124G>T (p.Met708Ile)

Gene: ABCA4 (ATP binding cassette subfamily A member 4; minus strand). Cytogenetic location: 1p22.1.
Variant type: single nucleotide variant.
Coding change: c.2124G>T on transcript NM_000350.3 (MANE Select); coding-DNA position 2124, G replaced by T.
Protein change: p.Met708Ile; replaces methionine 708 with isoleucine.
Molecular consequence: missense variant.
Genome position (GRCh38, 1-based): chr1:94,060,573, C>A on the plus strand (G>T on the coding strand, the complement: ABCA4 is on the minus strand). VCF-style: chr1-94060573-C-A. GRCh37 (hg19) VCF-style: chr1-94526129-C-A.
Other names: c.2124G>T, p.Met708Ile (NM_001425324.1); short protein forms M708I.
Identifiers: ClinVar variation 859100 (VCV000859100.10), dbSNP rs753711353, ClinGen allele CA958349.